The following is an entry in ClinVar:

ClinVar aggregate classification (germline): Uncertain significance (1 of 4 stars; one submission).

Conditions:
Peroxisome biogenesis disorder 2B (PBD2B). Identifiers: Orphanet 44, MedGen C3550234, MONDO:0008736, OMIM 202370.

Submission:

Labcorp Genetics (formerly Invitae), Labcorp
Classification: Uncertain significance for Peroxisome biogenesis disorder 2B. Last evaluated: 2024-10-15. Review status: criteria provided, single submitter. Criteria: Invitae Variant Classification Sherloc (09022015). Collection method: clinical testing. Allele origin: germline.
Comment: This sequence change falls in intron 4 of the PEX5 gene. It does not directly change the encoded amino acid sequence of the PEX5 protein. It affects a nucleotide within the consensus splice site. This variant is not present in population databases (gnomAD no frequency). This variant has not been reported in the literature in individuals affected with PEX5-related conditions. Variants that disrupt the consensus splice site are a relatively common cause of aberrant splicing (PMID: 17576681, 9536098). Algorithms developed to predict the effect of sequence changes on RNA splicing suggest that this variant is not likely to affect RNA splicing. In summary, the available evidence is currently insufficient to determine the role of this variant in disease. Therefore, it has been classified as a Variant of Uncertain Significance.

Literature cited by the submitters: PubMed 17576681; PubMed 9536098.

NM_001351132.2(PEX5):c.316+6T>C

Gene: PEX5 (peroxisomal biogenesis factor 5; plus strand). Cytogenetic location: 12p13.31.
Variant type: single nucleotide variant.
Coding change: c.316+6T>C on transcript NM_001351132.2 (MANE Select); 6 bases into the intron after coding-DNA position 316, T replaced by C.
Molecular consequence: intron variant.
Genome position (GRCh38, 1-based): chr12:7,191,364, T>C. VCF-style: chr12-7191364-T-C. GRCh37 (hg19) VCF-style: chr12-7343960-T-C.
Other names: c.316+6T>C (NM_001351124.3, NM_001131026.2, NM_001351131.2 and 19 more transcripts); c.361+6T>C (NM_001351135.3, NM_001131023.2, NM_001351138.2).
Identifiers: ClinVar variation 3656625 (VCV003656625.2).